The following is an entry in ClinVar:

ClinVar aggregate classification (germline): Likely pathogenic. Review status: criteria provided, multiple submitters, no conflicts (2 of 4 stars). 6 submissions from 6 submitters: Likely pathogenic (6). Last evaluated 2025-12-19.

Conditions:
Melanoma and neural system tumor syndrome. Also called: MELANOMA-ASTROCYTOMA SYNDROME. Identifiers: Orphanet 252206, MedGen C1835042, MONDO:0007967, OMIM 155755.
Melanoma, cutaneous malignant, susceptibility to, 2 (CMM2). Also called: CDKN2A-Related Cutaneous Malignant Melanoma; Cutaneous malignant melanoma 2. Identifiers: Orphanet 618, MedGen C1835044, MONDO:0007964, OMIM 155601.
Melanoma-pancreatic cancer syndrome. Identifiers: Orphanet 404560, MedGen C1838547, MONDO:0011713, OMIM 606719. Disease mechanism: loss of function.
Hereditary cancer-predisposing syndrome. Also called: Hereditary neoplastic syndrome; Neoplastic Syndromes, Hereditary; Hereditary Cancer Syndrome; Tumor predisposition. Identifiers: Orphanet 140162, MedGen C0027672, MeSH D009386, MONDO:0015356.
Familial melanoma. Also called: Hereditary melanoma; Hereditary cutaneous melanoma. Identifiers: Orphanet 618, MedGen C1512419, MONDO:0018961.

Allele frequency attached by ClinVar (database versions not stated): gnomAD exomes below 0.00001; ExAC 0.00001; gnomAD 0.00001; 1000 Genomes Project 0.00020; 1000 Genomes Project 30x 0.00031.
gnomAD v4.1: 6 of 1,593,656 alleles (0.00038%); highest among the groups gnomAD compares: Middle Eastern, 0.019%; no homozygotes.

Submissions (6):

Ambry Genetics
Classification: Likely pathogenic for Hereditary cancer-predisposing syndrome. Last evaluated: 2025-12-19. Review status: criteria provided, single submitter. Criteria: Ambry Variant Classification Scheme 2023. Collection method: clinical testing. Allele origin: germline.
Comment: The p.N71S variant (also known as c.212A>G), located in coding exon 2 of the CDKN2A gene, results from an A to G substitution at nucleotide position 212. The asparagine at codon 71 is replaced by serine, an amino acid with highly similar properties. Of note, this alteration is also known as c.255A>G (p.Q85Q) in the p14(ARF) isoform. This variant has been reported in familial melanoma families and has been noted to segregate with disease in some of these families, although unaffected individuals have also been reported to carry the variant (Della Torre G et al. Br. J. Cancer, 2001 Sep;85:836-44; Goldstein AM et al. Cancer Epidemiol. Biomarkers Prev. 2000 Sep; 9(9):889-94, Hussussian CJ et al. Nat. Genet. 1994 Sep; 8(1):15-21; Miller PJ et al. Hum Mutat. 2011 Aug;32(8):900-11; Goldstein AM et al. J Med Genet. 2007 Feb;44(2):99-106; Pellegrini C et al. J Eur Acad Dermatol Venereol. 2023 Dec;37(12):2498-2508). In addition, this variant has been reported in an individual affected with glioblastoma (Sargen MR et al. JAMA Dermatol. 2023 Oct;159(10):1112-1118). Multiple functional studies have studied the ability of this variant to bind to CDK4 and CDK6 substrates, localize properly in the cell, and perform cell cycle inhibition (Ranade K et al. Nat. Genet. 1995 May; 10(1):114-6, Walker GJ et al. Int. J. Cancer 1999 Jul;82(2):305-12, Yarbrough WG et al. J. Natl. Cancer Inst. 1999 Sep; 91(18):1569-74, McKenzie HA et al. Hum. Mutat. 2010 Jun; 31(6):692-701; Miller PJ et al. Hum. Mutat. 2011 Aug; 32(8):900-11). CDK4 and CDK6 binding ability was reportedly at least partially retained in all but one study (Miller et al. 2011), which reported complete loss of CDK4 binding ability. In both Walker et al. and Yarbrough et al., this variant demonstrated abnormal localization of the protein within the cell nucleus. Across all studies, this variant also demonstrated significantly diminished ability to inhibit cell proliferation or perform cell cycle arrest. In addition, the in silico prediction for this alteration is inconclusive. Based on the majority of available evidence to date, this variant is likely to be pathogenic.

Labcorp Genetics (formerly Invitae), Labcorp
Classification: Likely pathogenic for Familial melanoma. Last evaluated: 2024-01-10. Review status: criteria provided, single submitter. Criteria: Invitae Variant Classification Sherloc (09022015). Collection method: clinical testing. Allele origin: germline.
Comment: This sequence change replaces asparagine, which is neutral and polar, with serine, which is neutral and polar, at codon 71 of the CDKN2A (p16INK4a) protein (p.Asn71Ser). The frequency data for this variant in the population databases is considered unreliable, as metrics indicate poor data quality at this position in the gnomAD database. This missense change has been observed in individual(s) with melanoma (PMID: 7987387, 10390011, 10861313, 11556834, 12072543, 18363633, 21462282, 22841127). It has also been observed to segregate with disease in related individuals. This variant is also known as p.Asn63Ser. ClinVar contains an entry for this variant (Variation ID: 418121). An algorithm developed to predict the effect of missense changes on protein structure and function (PolyPhen-2) suggests that this variant¬†is likely to be tolerated. Experimental studies have shown that this missense change affects CDKN2A (p16INK4a) function (PMID: 7566978, 7647780, 10389768, 10491434, 10498896, 19260062, 20340136, 21462282). In summary, the currently available evidence indicates that the variant is pathogenic, but additional data are needed to prove that conclusively. Therefore, this variant has been classified as Likely Pathogenic.

Sema4
Classification: Likely pathogenic for Hereditary cancer-predisposing syndrome. Last evaluated: 2022-02-23. Review status: criteria provided, single submitter. Criteria: Sema4 Curation Guidelines. Collection method: curation. Allele origin: germline.
Comment: The CDKN2A c.212A>G (p.N71S) variant has been reported in several individuals and families with melanoma (PMID: 22841127, 11807902, 11556834, 12072543, 18363633, 16905682, 11008905, 10861313, 7987387, 10390011). Functional studies demonstrated that the variant results in diminished ability to inhibit cell proliferation, does not impact or partially alters CDK4 or CDK6 binding affinity and leads to mislocalization of the protein (PMID: 19260062, 21462282, 10491434, 10498896, 7566978, 7647780, 1038976). It was observed in 1/33014 chromosomes of the Latino subpopulation in the Genome Aggregation Database (PMID: 32461654). In silico tools also suggest the impact of the variant on protein function is deleterious. The variant has been reported in ClinVar (Variation ID 418121). Based on the current evidence available, this variant is interpreted as likely pathogenic.

Color Diagnostics, LLC DBA Color Health
Classification: Likely pathogenic for Hereditary cancer-predisposing syndrome. Last evaluated: 2020-04-01. Review status: criteria provided, single submitter. Criteria: ACMG Guidelines, 2015. Collection method: clinical testing. Allele origin: germline.
Comment: This missense variant replaces asparagine with serine at codon 71 of the CDKN2A (p16INK4A) protein. This variant has been reported in over ten individuals and families affected with melanoma (PMID: 7987387, 21462282, 10861313, 12072543, 11556834, 18363633, 22841127, 10390011). This variant has been identified in 1/211414 chromosomes in the general population by the Genome Aggregation Database (gnomAD). Computational prediction is inconclusive regarding the impact of this variant on protein structure and function (internally defined REVEL score threshold 0.5 < inconclusive < 0.7, PMID: 27666373). Functional studies have shown that this variant disrupts the protein function in regulating cell cycle arrest and cell proliferation (PMID: 7566978, 7647780, 10389768, 10491434, 10498896, 21462282). The variant impact on CDKN2A (p16INK4a) binding to CDK4 and CDK6 is inconsistent (PMID: 7566978, 10389768, 10491434, 10498896, 19260062, 20340136, 21462282). However, this binding activity showed a poor correlation with cell cycle control function and clinical relevance (PMID: 21462282). Based on the available evidence, this variant is classified as Likely Pathogenic.

GeneDx
Classification: Likely pathogenic. Last evaluated: 2014-10-13. Review status: criteria provided, single submitter. Criteria: GeneDx Variant Classification (06012015). Collection method: clinical testing. Allele origin: germline. Affected: yes.
Comment: This variant is denoted CDKN2A c.212A>G at the cDNA level, p.Asn71Ser (N71S) at the protein level, and results in the change of an Asparagine to a Serine (AAC>AGC). This variant was observed in multiple families with personal and family histories consistent with familial atypical multiple mole melanoma (FAMMM) syndrome (Della Torre 2001, Bishop 2002, Mantelli 2002, Goldstein 2007). CDKN2A Asn71Ser was found to bind CDK4 and CDK6 similarly to wild type by co-immunoprecipitation assay (Walker 1999, Yarbrough 1999). However, a two-hybrid assay indicated reduced binding to both CDK4 and CDK6 (McKenzie 2010). Yarbrough (1999) also found that CDKN2A exhibited intact inhibition of CDK6 and CDK-activating complex activities by in vitro kinase inhibition assay. However; CDKN2A Asn71Ser showed reduced ability to inhibit cell growth and to induce cell-cycle arrest (Walker 1999, Yarbrough 1999). A Bayesian analysis using functional, segregation and in silico data predicted CDKN2A Asn71Ser to be pathogenic (Miller 2011). CDKN2A Asn71Ser was not observed in approximately 6,500 individuals of European and African American ancestry in the NHLBI Exome Sequencing Project, indicating it is not a common benign variant in these populations. Since Asparagine and Serine share similar properties, this is considered a conservative amino acid substitution. CDKN2A Asn71Ser occurs at a position that is highly conserved in mammals and is located in AK2 repeat (UniProt). In silico analyses predict that this variant is probably damaging to protein structure and function. Based on the currently available information, we consider CDKN2A Asn71Ser to be a likely pathogenic variant.

Juno Genomics, Hangzhou Juno Genomics, Inc
Classification: Likely pathogenic for Melanoma and neural system tumor syndrome; Melanoma, cutaneous malignant, susceptibility to, 2; Melanoma-pancreatic cancer syndrome. Review status: criteria provided, single submitter. Criteria: ACMG Guidelines, 2015. Collection method: clinical testing. Allele origin: germline.
Comment: Absent from controls (or at extremely low frequency if recessive) in Genome Aggregation Database.;The prevalence of the variant in affected individuals is significantly increased compared to the prevalence in controls.;Well-established in vitro or in vivo functional studies supportive of a damaging effect on the gene or gene product.

Literature cited by the submitters: PubMed 10389768 (cited by Ambry Genetics and Labcorp Genetics (formerly Invitae), Labcorp); PubMed 10491434 (cited by 3 submitters); PubMed 10498896 (cited by 3 submitters); PubMed 11008905 (cited by Ambry Genetics and Sema4); PubMed 11556834 (cited by 3 submitters); PubMed 12072543 (cited by 3 submitters); PubMed 16905682 (cited by Ambry Genetics and Sema4); PubMed 18951449 (cited by Ambry Genetics); PubMed 20340136 (cited by Ambry Genetics and Labcorp Genetics (formerly Invitae), Labcorp); PubMed 21462282 (cited by 3 submitters); PubMed 37585199 (cited by Ambry Genetics); PubMed 37611275 (cited by Ambry Genetics); PubMed 7566978 (cited by 3 submitters); PubMed 7647780 (cited by 3 submitters); PubMed 7987387 (cited by 3 submitters); PubMed 10390011 (cited by Labcorp Genetics (formerly Invitae), Labcorp and Sema4); PubMed 10861313 (cited by Labcorp Genetics (formerly Invitae), Labcorp and Sema4); PubMed 18363633 (cited by Labcorp Genetics (formerly Invitae), Labcorp and Sema4); PubMed 22841127 (cited by Labcorp Genetics (formerly Invitae), Labcorp and Sema4); PubMed 19260062 (cited by Labcorp Genetics (formerly Invitae), Labcorp and Sema4); PubMed 11807902 (cited by Sema4); PubMed 1038976 (cited by Sema4).

NM_000077.5(CDKN2A):c.212A>G (p.Asn71Ser)

Gene: CDKN2A (cyclin dependent kinase inhibitor 2A; minus strand). Cytogenetic location: 9p21.3.
Variant type: single nucleotide variant.
Coding change: c.212A>G on transcript NM_000077.5; coding-DNA position 212, A replaced by G.
Protein change: p.Asn71Ser; replaces asparagine 71 with serine.
Molecular consequence: missense variant (on NM_000077.6). On other transcripts: synonymous variant (1), 3 prime UTR variant (1).
Genome position (GRCh38, 1-based): chr9:21,971,147, T>C on the plus strand (A>G on the coding strand, the complement: CDKN2A is on the minus strand). VCF-style: chr9-21971147-T-C. GRCh37 (hg19) VCF-style: chr9-21971146-T-C.
Other names: c.212A>G, p.Asn71Ser (NM_000077.6, NM_001195132.2); c.59A>G, p.Asn20Ser (NM_001363763.2); c.255A>G, p.Gln85= (NM_058195.4); c.*135A>G (NM_058197.5); short protein forms N71S, N20S.
Identifiers: ClinVar variation 418121 (VCV000418121.23), dbSNP rs559848002, ClinGen allele CA5012207.
Genomic context (GRCh38, chr9:21,971,147, plus strand): 5'-AGGAAGCCCTCCCGGGCAGCGTCGTGCACGGGTCGGGTGAGAGTGGCGGGGTCGGCGCAG[T>C]TGGGCTCCGCGCCGTGGAGCAGCAGCAGCTCCGCCACTCGGGCGCTGCCCATCATCATGA-3'
Protein context (NP_000068.1, residues 61-81): ELLLLHGAEP[Asn71Ser]CADPATLTRP